The following is an entry in ClinVar:

ClinVar aggregate classification (germline): Uncertain significance (1 of 4 stars; one submission).

Conditions:
Aortic valve disease 2 (AOVD2). Identifiers: MedGen C3542024, MONDO:0013902, OMIM 614823.

Submission:

Labcorp Genetics (formerly Invitae), Labcorp
Classification: Uncertain significance for Aortic valve disease 2. Last evaluated: 2025-09-14. Review status: criteria provided, single submitter. Criteria: Invitae Variant Classification Sherloc (09022015). Collection method: clinical testing. Allele origin: germline.
Comment: This sequence change replaces phenylalanine, which is neutral and non-polar, with alanine, which is neutral and non-polar, at codon 250 of the SMAD6 protein (p.Phe250Ala). The frequency data for this variant in the population databases is considered unreliable, as metrics indicate poor data quality at this position in the gnomAD database. This variant has not been reported in the literature in individuals affected with SMAD6-related conditions. ClinVar contains an entry for this variant (Variation ID: 2174327). An algorithm developed to predict the effect of missense changes on protein structure and function (PolyPhen-2) suggests that this variant is likely to be tolerated. In summary, the available evidence is currently insufficient to determine the role of this variant in disease. Therefore, it has been classified as a Variant of Uncertain Significance.

NM_005585.5(SMAD6):c.748_749delinsGC (p.Phe250Ala)

Gene: SMAD6 (SMAD family member 6; plus strand). Cytogenetic location: 15q22.31.
Variant type: Indel.
Coding change: c.748_749delinsGC on transcript NM_005585.5 (MANE Select); coding-DNA positions 748 to 749, TT replaced by GC.
Protein change: p.Phe250Ala; replaces phenylalanine 250 with alanine.
Molecular consequence: missense variant. On other transcripts: non-coding transcript variant (1).
Genome position (GRCh38, 1-based): chr15:66,704,006-66,704,007, TT replaced by GC. VCF-style: chr15-66704006-TT-GC. GRCh37 (hg19) VCF-style: chr15-66996344-TT-GC.
Other names: short protein forms F250A.
Identifiers: ClinVar variation 2174327 (VCV002174327.4), dbSNP rs2545313106, ClinGen allele CA2580089945.